The following is an entry in ClinVar:

ClinVar aggregate classification (germline): Uncertain significance. Review status: criteria provided, multiple submitters, no conflicts (2 of 4 stars). 3 submissions from 3 submitters: Uncertain significance (3). Last evaluated 2025-08-09.

Conditions:
Inborn genetic diseases. Identifiers: MedGen C0950123, MeSH D030342.
Early-infantile DEE. Also called: Ohtahara syndrome; Early infantile epileptic encephalopathy; Early infantile epileptic encephalopathy with suppression bursts. Identifiers: Orphanet 1934, MedGen C0393706, MONDO:0800491.

Allele frequency attached by ClinVar (database versions not stated): gnomAD 0.00001; TOPMed 0.00002.
gnomAD v4.1: 4 of 1,612,286 alleles (0.00025%); highest among the groups gnomAD compares: Non-Finnish European, 0.00034%; no homozygotes.

Submissions (3):

Ambry Genetics
Classification: Uncertain significance for Inborn genetic diseases. Last evaluated: 2025-08-09. Review status: criteria provided, single submitter. Criteria: Ambry Variant Classification Scheme 2023. Collection method: clinical testing. Allele origin: germline.

Labcorp Genetics (formerly Invitae), Labcorp
Classification: Uncertain significance for Early-infantile DEE. Last evaluated: 2024-05-22. Review status: criteria provided, single submitter. Criteria: Invitae Variant Classification Sherloc (09022015). Collection method: clinical testing. Allele origin: germline.
Comment: This sequence change replaces leucine, which is neutral and non-polar, with arginine, which is basic and polar, at codon 84 of the SLC25A22 protein (p.Leu84Arg). This variant is not present in population databases (gnomAD no frequency). This variant has not been reported in the literature in individuals affected with SLC25A22-related conditions. ClinVar contains an entry for this variant (Variation ID: 1307037). Advanced modeling of protein sequence and biophysical properties (such as structural, functional, and spatial information, amino acid conservation, physicochemical variation, residue mobility, and thermodynamic stability) performed at Invitae indicates that this missense variant is expected to disrupt SLC25A22 protein function with a positive predictive value of 80%. In summary, the available evidence is currently insufficient to determine the role of this variant in disease. Therefore, it has been classified as a Variant of Uncertain Significance.

GeneDx
Classification: Uncertain significance. Last evaluated: 2019-07-17. Review status: criteria provided, single submitter. Criteria: GeneDx Variant Classification Process June 2021. Collection method: clinical testing. Allele origin: germline. Affected: yes.
Comment: Not observed in large population cohorts (Lek et al., 2016); In silico analysis, which includes protein predictors and evolutionary conservation, supports a deleterious effect; Has not been previously published as pathogenic or benign to our knowledge

NM_001191061.2(SLC25A22):c.251T>G (p.Leu84Arg)

Gene: SLC25A22 (solute carrier family 25 member 22; minus strand). Cytogenetic location: 11p15.5.
Variant type: single nucleotide variant.
Coding change: c.251T>G on transcript NM_001191061.2 (MANE Select); coding-DNA position 251, T replaced by G.
Protein change: p.Leu84Arg; replaces leucine 84 with arginine.
Molecular consequence: missense variant.
Genome position (GRCh38, 1-based): chr11:793,571, A>C on the plus strand (T>G on the coding strand, the complement: SLC25A22 is on the minus strand). VCF-style: chr11-793571-A-C. GRCh37 (hg19) VCF-style: chr11-793571-A-C.
Other names: c.251T>G, p.Leu84Arg (NM_001191060.2, NM_024698.6); short protein forms L84R.
Identifiers: ClinVar variation 1307037 (VCV001307037.7), dbSNP rs772950759, ClinGen allele CA378920912.
Genomic context (GRCh38, chr11:793,571, plus strand): 5'-GCCAGGCAGAACCCTCACCCGTCCTTAGAGAGCTGATGTCGGAAGAAGTCGTTGGCTGCC[A>C]GCTTGATGGCCTTCTCGGGGGTGACGAGGGTCAAGTTCACAGCAGCTCCTGTGGGGCAGG-3'
Protein context (NP_001177990.1, residues 74-94): TLVTPEKAIK[Leu84Arg]AANDFFRHQL